The following is an entry in ClinVar:

NM_005655.4(KLF10):c.901G>A (p.Val301Ile)

Gene: KLF10 (KLF transcription factor 10; minus strand). Cytogenetic location: 8q22.3.
Variant type: single nucleotide variant.
Coding change: c.901G>A on transcript NM_005655.4 (MANE Select); coding-DNA position 901, G replaced by A.
Protein change: p.Val301Ile; replaces valine 301 with isoleucine.
Molecular consequence: missense variant.
Genome position (GRCh38, 1-based): chr8:102,651,431, C>T on the plus strand (G>A on the coding strand, the complement: KLF10 is on the minus strand). VCF-style: chr8-102651431-C-T. GRCh37 (hg19) VCF-style: chr8-103663659-C-T.
Other names: c.868G>A, p.Val290Ile (NM_001032282.4); short protein forms V301I, V290I.
Identifiers: ClinVar variation 1481928 (VCV001481928.8), dbSNP rs747763992, ClinGen allele CA4833518.

ClinVar aggregate classification (germline): Uncertain significance (1 of 4 stars; one submission).

Allele frequency attached by ClinVar (database versions not stated): ExAC 0.00001; gnomAD 0.00001; gnomAD exomes 0.00001.
gnomAD v4.1: 6 of 1,613,452 alleles (0.00037%); highest among the groups gnomAD compares: South Asian, 0.0033%; no homozygotes.

Submission:

Labcorp Genetics (formerly Invitae), Labcorp
Classification: Uncertain significance. Last evaluated: 2024-07-23. Review status: criteria provided, single submitter. Criteria: Invitae Variant Classification Sherloc (09022015). Collection method: clinical testing. Allele origin: germline.
Comment: This sequence change replaces valine, which is neutral and non-polar, with isoleucine, which is neutral and non-polar, at codon 301 of the KLF10 protein (p.Val301Ile). This variant is present in population databases (rs747763992, gnomAD 0.008%). This variant has not been reported in the literature in individuals affected with KLF10-related conditions. ClinVar contains an entry for this variant (Variation ID: 1481928). An algorithm developed to predict the effect of missense changes on protein structure and function (PolyPhen-2) suggests that this variant is likely to be tolerated. In summary, the available evidence is currently insufficient to determine the role of this variant in disease. Therefore, it has been classified as a Variant of Uncertain Significance.